The following is an entry in ClinVar:

NM_022836.4(DCLRE1B):c.1181T>G (p.Leu394Trp)

Gene: DCLRE1B (DNA cross-link repair 1B; plus strand). Cytogenetic location: 1p13.2.
Variant type: single nucleotide variant.
Coding change: c.1181T>G on transcript NM_022836.4 (MANE Select); coding-DNA position 1181, T replaced by G.
Protein change: p.Leu394Trp; replaces leucine 394 with tryptophan.
Molecular consequence: missense variant.
Genome position (GRCh38, 1-based): chr1:113,911,773, T>G. VCF-style: chr1-113911773-T-G. GRCh37 (hg19) VCF-style: chr1-114454395-T-G.
Other names: c.803T>G, p.Leu268Trp (NM_001319946.2, NM_001319947.2, NM_001363691.2); c.1181T>G, p.Leu394Trp (NM_001363690.2); short protein forms L394W, L268W.
Identifiers: ClinVar variation 849809 (VCV000849809.9), dbSNP rs758926583, ClinGen allele CA1016540.
Genomic context (GRCh38, chr1:113,911,773, plus strand): 5'-AGAAAGAGAAACTTTCTCCCTGGCCTGCGGACCTTGAAAAGCAGCCTTCCCACCATCCTT[T>G]GCGGATCAAGAAGCAGTTGTTCCCAGATCTCTATAGCAAAGAATGGAACAAGGCAGTGCC-3'
Protein context (NP_073747.1, residues 384-404): DLEKQPSHHP[Leu394Trp]RIKKQLFPDL

ClinVar aggregate classification (germline): Uncertain significance (1 of 4 stars; one submission).

Conditions:
Hoyeraal-Hreidarsson syndrome (HHS). Also called: CEREBELLAR HYPOPLASIA WITH PANCYTOPENIA. Identifiers: Orphanet 3322, MedGen C1846142, MONDO:0018045.
Autosomal recessive dyskeratosis congenita. Identifiers: MedGen C3502105.

Allele frequency attached by ClinVar (database versions not stated): gnomAD 0.00001; TOPMed 0.00001; ExAC 0.00002; gnomAD exomes 0.00002.
gnomAD v4.1: 35 of 1,614,064 alleles (0.0022%); highest among the groups gnomAD compares: Middle Eastern, 0.016%; no homozygotes.

Submission:

Labcorp Genetics (formerly Invitae), Labcorp
Classification: Uncertain significance for Hoyeraal-Hreidarsson syndrome; Autosomal recessive dyskeratosis congenita. Last evaluated: 2022-08-10. Review status: criteria provided, single submitter. Criteria: Invitae Variant Classification Sherloc (09022015). Collection method: clinical testing. Allele origin: germline.
Comment: This variant is present in population databases (rs758926583, gnomAD 0.003%). This sequence change replaces leucine, which is neutral and non-polar, with tryptophan, which is neutral and slightly polar, at codon 394 of the DCLRE1B protein (p.Leu394Trp). This variant has not been reported in the literature in individuals affected with DCLRE1B-related conditions. In summary, the available evidence is currently insufficient to determine the role of this variant in disease. Therefore, it has been classified as a Variant of Uncertain Significance. Algorithms developed to predict the effect of missense changes on protein structure and function are either unavailable or do not agree on the potential impact of this missense change (SIFT: "Deleterious"; PolyPhen-2: "Possibly Damaging"; Align-GVGD: "Class C0"). ClinVar contains an entry for this variant (Variation ID: 849809).